The following is an entry in ClinVar:

NM_006230.4(POLD2):c.1072A>G (p.Met358Val)

Gene: POLD2 (DNA polymerase delta 2, accessory subunit; minus strand). Cytogenetic location: 7p13.
Variant type: single nucleotide variant.
Coding change: c.1072A>G on transcript NM_006230.4 (MANE Select); coding-DNA position 1072, A replaced by G.
Protein change: p.Met358Val; replaces methionine 358 with valine.
Molecular consequence: missense variant.
Genome position (GRCh38, 1-based): chr7:44,115,841, T>C on the plus strand (A>G on the coding strand, the complement: POLD2 is on the minus strand). VCF-style: chr7-44115841-T-C. GRCh37 (hg19) VCF-style: chr7-44155440-T-C.
Other names: c.1072A>G, p.Met358Val (NM_001127218.3, NM_001256879.2); short protein forms M358V.
Identifiers: ClinVar variation 2809326 (VCV002809326.3), dbSNP rs2096238175, ClinGen allele CA367380273.

ClinVar aggregate classification (germline): Uncertain significance (1 of 4 stars; one submission).

Allele frequency attached by ClinVar (database versions not stated): TOPMed below 0.00001.

Submission:

Labcorp Genetics (formerly Invitae), Labcorp
Classification: Uncertain significance. Last evaluated: 2024-11-04. Review status: criteria provided, single submitter. Criteria: Invitae Variant Classification Sherloc (09022015). Collection method: clinical testing. Allele origin: germline.
Comment: This sequence change replaces methionine, which is neutral and non-polar, with valine, which is neutral and non-polar, at codon 393 of the POLD2 protein (p.Met393Val). This variant is not present in population databases (gnomAD no frequency). This variant has not been reported in the literature in individuals affected with POLD2-related conditions. ClinVar contains an entry for this variant (Variation ID: 2809326). Experimental studies and prediction algorithms are not available or were not evaluated, and the functional significance of this variant is currently unknown. In summary, the available evidence is currently insufficient to determine the role of this variant in disease. Therefore, it has been classified as a Variant of Uncertain Significance.